The following is an entry in ClinVar:

NM_206933.4(USH2A):c.3082_3083del (p.Thr1028fs)

Genes: USH2A (usherin; minus strand), USH2A-AS1 (USH2A antisense RNA 1; plus strand). Cytogenetic location: 1q41.
Variant type: Deletion.
Coding change: c.3082_3083del on transcript NM_206933.4 (MANE Select); coding-DNA positions 3082 to 3083, 2 bases deleted (AC; older notation c.3082_3083delAC).
Protein change: p.Thr1028fs; shifts the reading frame from threonine 1028.
Molecular consequence: frameshift variant.
Genome position (GRCh38, 1-based): chr1:216,217,461-216,217,462, GT deleted on the plus strand (AC on the coding strand, the reverse complement: USH2A is on the minus strand); deleting any 2 consecutive bases within chr1:216,217,461-216,217,463 gives the same sequence; the c. name uses the placement nearest the transcript's 3' end. VCF-style (leftmost placement, unchanged base first): chr1-216217460-AGT-A. GRCh37 (hg19) VCF-style: chr1-216390802-AGT-A.
Other names: c.3082_3083del, p.Thr1028fs (NM_007123.6); short protein forms T1028fs.
Identifiers: ClinVar variation 1723928 (VCV001723928.2), dbSNP rs2528087514, ClinGen allele CA2580062148.

ClinVar aggregate classification (germline): Likely pathogenic (1 of 4 stars; one submission).

Conditions:
Usher syndrome type 2A. Also called: RETINAL DISEASE IN USHER SYNDROME TYPE IIA, MODIFIER OF; USHER SYNDROME, TYPE IIA. Identifiers: Orphanet 231178, Orphanet 886, MedGen C1848634, MONDO:0010169, OMIM 276901.

Submission:

Myriad Genetics, Inc.
Classification: Likely pathogenic for Usher syndrome type 2A. Last evaluated: 2022-01-11. Review status: criteria provided, single submitter. Criteria: Myriad Women's Health Autosomal Recessive and X-Linked Classification Criteria (2021). Collection method: clinical testing. Allele origin: unknown.
Comment: NM_206933.2(USH2A):c.3082_3083delAC(T1028Wfs*5) is expected to be pathogenic in the context of USH2A-related disorders. This variant is predicted to lead to an abnormal or absent protein product due to the creation of a premature termination codon in USH2A, a gene where loss-of-function variants are known to be pathogenic. Please note: this variant was assessed in the context of healthy population screening.